The following is an entry in ClinVar:

ClinVar aggregate classification (germline): Uncertain significance (1 of 4 stars; one submission).

Conditions:
Cardiovascular phenotype. Identifiers: MedGen CN230736.

gnomAD v4.1: 1 of 1,604,120 alleles (0.000062%); highest among the groups gnomAD compares: African/African-American, 0.0013%; no homozygotes.

Submission:

Ambry Genetics
Classification: Uncertain significance for Cardiovascular phenotype. Last evaluated: 2026-08-29. Review status: criteria provided, single submitter. Criteria: Ambry Variant Classification Scheme 2023. Collection method: clinical testing. Allele origin: germline.
Comment: The p.E886G variant (also known as c.2657A>G), located in coding exon 20 of the LAMA4 gene, results from an A to G substitution at nucleotide position 2657. The glutamic acid at codon 886 is replaced by glycine, an amino acid with similar properties. This amino acid position is conserved. In addition, this alteration is predicted to be tolerated by in silico analysis. Based on the available evidence, the clinical significance of this variant remains unclear.

NM_001105206.3(LAMA4):c.2678A>G (p.Glu893Gly)

Genes: LAMA4 (laminin subunit alpha 4; minus strand), LOC126859766 (MED14-independent group 3 enhancer GRCh37_chr6:112462018-112463217; plus strand). Cytogenetic location: 6q21.
Variant type: single nucleotide variant.
Coding change: c.2678A>G on transcript NM_001105206.3 (MANE Select); coding-DNA position 2678, A replaced by G.
Protein change: p.Glu893Gly; replaces glutamic acid 893 with glycine.
Molecular consequence: missense variant.
Genome position (GRCh38, 1-based): chr6:112,141,493, T>C on the plus strand (A>G on the coding strand, the complement: LAMA4 is on the minus strand). VCF-style: chr6-112141493-T-C. GRCh37 (hg19) VCF-style: chr6-112462695-T-C.
Other names: c.2657A>G, p.Glu886Gly (NM_002290.5, NM_001105207.3); short protein forms E886G, E893G.
Identifiers: ClinVar variation 5023472 (VCV005023472.1).